The following is an entry in ClinVar:

ClinVar aggregate classification (germline): Uncertain significance (1 of 4 stars; one submission).

gnomAD v4.1: 3 of 1,613,550 alleles (0.00019%); highest among the groups gnomAD compares: Admixed American, 0.0017%; no homozygotes.

Submission:

GeneDx
Classification: Uncertain significance. Last evaluated: 2025-05-19. Review status: criteria provided, single submitter. Criteria: GeneDx Variant Classification Process June 2021. Collection method: clinical testing. Allele origin: germline. Affected: yes.
Comment: Not observed at significant frequency in large population cohorts (gnomAD); Nonsense variant predicted to result in protein truncation or nonsense mediated decay in a gene or region of a gene for which loss of function is not a well-established mechanism of disease; Has not been previously published as pathogenic or benign to our knowledge

NM_031418.4(ANO3):c.79G>T (p.Glu27Ter)

Gene: ANO3 (anoctamin 3; plus strand). Cytogenetic location: 11p14.2.
Variant type: single nucleotide variant.
Coding change: c.79G>T on transcript NM_031418.4 (MANE Select); coding-DNA position 79, G replaced by T.
Protein change: p.Glu27Ter; replaces glutamic acid 27 with a stop codon.
Molecular consequence: nonsense.
Genome position (GRCh38, 1-based): chr11:26,441,950, G>T. VCF-style: chr11-26441950-G-T. GRCh37 (hg19) VCF-style: chr11-26463497-G-T.
Other names: c.262G>T, p.Glu88Ter (NM_001313726.2); short protein forms E27*, E88*.
Identifiers: ClinVar variation 4531078 (VCV004531078.1).
Genomic context (GRCh38, chr11:26,441,950, plus strand): 5'-GCTAAAACTCAACATTTTGGATTTGCAGGTATGAATATAAGCAAGAGTGAGATAACAAAA[G>T]AAACTTCGTTAAAACCGTCTCGGAGATCCCTGCCTTGCCTCGCCCAGAGCTACGCTTACT-3'